The following is an entry in ClinVar:

NM_032930.3(CFAP300):c.299A>G (p.Asn100Ser)

Gene: CFAP300 (cilia and flagella associated protein 300; plus strand). Cytogenetic location: 11q22.1.
Variant type: single nucleotide variant.
Coding change: c.299A>G on transcript NM_032930.3 (MANE Select); coding-DNA position 299, A replaced by G.
Protein change: p.Asn100Ser; replaces asparagine 100 with serine.
Molecular consequence: missense variant. On other transcripts: intron variant (1).
Genome position (GRCh38, 1-based): chr11:102,066,515, A>G. VCF-style: chr11-102066515-A-G. GRCh37 (hg19) VCF-style: chr11-101937246-A-G.
Other names: c.299A>G, p.Asn100Ser (NM_001363505.2); c.268+7560A>G (NM_001195005.2); short protein forms N100S.
Identifiers: ClinVar variation 1956495 (VCV001956495.5), dbSNP rs1374406415, ClinGen allele CA382489147.

ClinVar aggregate classification (germline): Uncertain significance (1 of 4 stars; one submission).

Allele frequency attached by ClinVar (database versions not stated): gnomAD exomes below 0.00001; TOPMed below 0.00001.
gnomAD v4.1: 4 of 1,605,368 alleles (0.00025%); highest among the groups gnomAD compares: Non-Finnish European, 0.00017%; no homozygotes.

Submission:

Labcorp Genetics (formerly Invitae), Labcorp
Classification: Uncertain significance. Last evaluated: 2021-12-14. Review status: criteria provided, single submitter. Criteria: Invitae Variant Classification Sherloc (09022015). Collection method: clinical testing. Allele origin: germline.
Comment: In summary, the available evidence is currently insufficient to determine the role of this variant in disease. Therefore, it has been classified as a Variant of Uncertain Significance. Algorithms developed to predict the effect of missense changes on protein structure and function (SIFT, PolyPhen-2, Align-GVGD) all suggest that this variant is likely to be tolerated. This variant has not been reported in the literature in individuals affected with C11orf70-related conditions. This variant is not present in population databases (gnomAD no frequency). This sequence change replaces asparagine, which is neutral and polar, with serine, which is neutral and polar, at codon 100 of the C11orf70 protein (p.Asn100Ser).